The following is an entry in ClinVar:

ClinVar aggregate classification (germline): Uncertain significance (1 of 4 stars; one submission).

Allele frequency attached by ClinVar (database versions not stated): gnomAD exomes below 0.00001 and 0.00001.
gnomAD v4.1: 16 of 1,613,482 alleles (0.00099%); highest among the groups gnomAD compares: Non-Finnish European, 0.0014%; no homozygotes.

Submission:

GeneDx
Classification: Uncertain significance. Last evaluated: 2014-08-04. Review status: criteria provided, single submitter. Criteria: GeneDx Variant Classification (06012015). Collection method: clinical testing. Allele origin: germline. Affected: yes.
Comment: Missense variants in the TTN gene are considered 'unclassified' if they are not previously reported in the literature and do not have >1% frequency in the population to be considered a polymorphism. Research indicates that truncating mutations in the TTN gene are expected to account for approximately 25% of familial and 18% of sporadic idiopathic DCM; however, truncating variants in the TTN gene have been reported in approximately 3% of reported control alleles. There has been little investigation into non-truncating variants. (Herman D et al. Truncations of titin causing dilated cardiomyopathy. N Eng J Med 366:619-628, 2012) The variant is found in CARDIOMYOPATHY panel(s).

NM_001267550.2(TTN):c.84922C>A (p.Gln28308Lys)

Genes: TTN (titin; minus strand), TTN-AS1 (TTN antisense RNA 1; plus strand). Cytogenetic location: 2q31.2.
Variant type: single nucleotide variant.
Coding change: c.84922C>A on transcript NM_001267550.2 (MANE Select); coding-DNA position 84922, C replaced by A.
Protein change: p.Gln28308Lys; replaces glutamine 28308 with lysine.
Molecular consequence: missense variant.
Genome position (GRCh38, 1-based): chr2:178,561,210, G>T on the plus strand (C>A on the coding strand, the complement: TTN is on the minus strand). VCF-style: chr2-178561210-G-T. GRCh37 (hg19) VCF-style: chr2-179425937-G-T.
Other names: p.Q26667K:CAA>AAA; c.79999C>A, p.Gln26667Lys (NM_001256850.1); c.57727C>A, p.Gln19243Lys (NM_003319.4); c.77218C>A, p.Gln25740Lys (NM_133378.4); c.58102C>A, p.Gln19368Lys (NM_133432.3); c.58303C>A, p.Gln19435Lys (NM_133437.4); short protein forms Q26667K, Q28308K, Q25740K, Q19243K, Q19368K, Q19435K.
Identifiers: ClinVar variation 202925 (VCV000202925.2), dbSNP rs794729516, ClinGen allele CA310707.